The following is an entry in ClinVar:

ClinVar aggregate classification (germline): Pathogenic. Review status: criteria provided, multiple submitters, no conflicts (2 of 4 stars). 3 submissions from 3 submitters: Pathogenic (3). Last evaluated 2024-09-30.

Conditions:
Hereditary nonpolyposis colorectal neoplasms. Identifiers: MedGen C0009405, MeSH D003123.
Hereditary cancer-predisposing syndrome. Also called: Neoplastic Syndromes, Hereditary; Hereditary neoplastic syndrome; Tumor predisposition; Hereditary Cancer Syndrome. Identifiers: Orphanet 140162, MedGen C0027672, MeSH D009386, MONDO:0015356.
Lynch syndrome 4 (LYNCH4). Also called: Hereditary non-polyposis colorectal cancer, type 4; Colorectal cancer, hereditary nonpolyposis, type 4. Identifiers: Orphanet 144, MedGen C1838333, MONDO:0013699, OMIM 614337. Disease mechanism: loss of function.

Submissions (3):

Labcorp Genetics (formerly Invitae), Labcorp
Classification: Pathogenic for Hereditary nonpolyposis colorectal neoplasms. Last evaluated: 2024-09-30. Review status: criteria provided, single submitter. Criteria: Invitae Variant Classification Sherloc (09022015). Collection method: clinical testing. Allele origin: germline.
Comment: This sequence change results in a frameshift in the PMS2 gene (p.Asn823Lysfs*63). While this is not anticipated to result in nonsense mediated decay, it is expected to disrupt the last 40 amino acid(s) of the PMS2 protein and extend the protein by 22 additional amino acid residues. The frequency data for this variant in the population databases (gnomAD) is considered unreliable due to the presence of homologous sequence, such as pseudogenes or paralogs, in the genome. This frameshift has been observed in individual(s) with endometrial cancer (PMID: 31992580). ClinVar contains an entry for this variant (Variation ID: 1393658). This variant disrupts the MLH1 interaction domain of the PMS2 protein, which has been shown to be critical for PMS2-MLH1 dimerization (PMID: 10037723), and therefore mismatch repair activity (PMID: 16338176, 20533529). While functional studies have not been performed to directly test the effect of this variant on PMS2 protein function, this suggests that disruption of this region of the protein is causative of disease. This variant disrupts a region of the PMS2 protein in which other variant(s) (p.Pro844His) have been determined to be pathogenic (PMID: 26318770; internal data). This suggests that this is a clinically significant region of the protein, and that variants that disrupt it are likely to be disease-causing. For these reasons, this variant has been classified as Pathogenic.

Myriad Genetics, Inc.
Classification: Pathogenic for Lynch syndrome 4. Last evaluated: 2023-09-25. Review status: criteria provided, single submitter. Criteria: Myriad Autosomal Dominant, Autosomal Recessive and X-Linked Classification Criteria (2023). Collection method: clinical testing. Allele origin: unknown.
Comment: This variant is considered pathogenic. This variant creates a frameshift predicted to result in the incorporation of abnormal amino acid sequence into the protein product and abnormal protein elongation.

Ambry Genetics
Classification: Pathogenic for Hereditary cancer-predisposing syndrome. Last evaluated: 2021-08-20. Review status: criteria provided, single submitter. Criteria: Ambry Variant Classification Scheme 2023. Collection method: clinical testing. Allele origin: germline.
Comment: The c.2469_2473delCACAA pathogenic mutation, located in coding exon 15 of the PMS2 gene, results from a deletion of 5 nucleotides at nucleotide positions 2469 to 2473, causing a translational frameshift with a predicted alternate stop codon (p.N823Kfs*63). Frameshifts are typically deleterious in nature, however, this frameshift occurs at the 3' terminus of PMS2, is not expected to trigger nonsense-mediated mRNA decay, and results in the elongation of the protein by 22 amino acids. The exact functional impact of the altered and inserted amino acids is unknown at this time, but is predicted to affect protein function by disrupting the Zn-binding exonuclease site (Ambry internal data). In addition, this variant was identified in a proband whose endometrial tumor demonstrated high microsatellite instability and loss of PMS2 protein expression by immunohistochemistry (Wang Q et al. J Med Genet. 2020 07;57:487-499). This variant is considered to be rare based on population cohorts in the Genome Aggregation Database (gnomAD). Based on the supporting evidence, this alteration is interpreted as a disease-causing mutation.

Literature cited by the submitters: PubMed 31992580 (cited by Labcorp Genetics (formerly Invitae), Labcorp and Ambry Genetics); PubMed 10037723 (cited by Labcorp Genetics (formerly Invitae), Labcorp); PubMed 16338176 (cited by Labcorp Genetics (formerly Invitae), Labcorp); PubMed 20533529 (cited by Labcorp Genetics (formerly Invitae), Labcorp); PubMed 26318770 (cited by Labcorp Genetics (formerly Invitae), Labcorp).

NM_000535.7(PMS2):c.2469_2473del (p.Asn823fs)

Gene: PMS2 (PMS1 homolog 2, mismatch repair system component; minus strand). Cytogenetic location: 7p22.1.
Variant type: Deletion.
Coding change: c.2469_2473del on transcript NM_000535.7 (MANE Select); coding-DNA positions 2469 to 2473, 5 bases deleted (CACAA; older notation c.2469_2473delCACAA).
Protein change: p.Asn823fs; shifts the reading frame from asparagine 823.
Molecular consequence: frameshift variant. On other transcripts: non-coding transcript variant (1).
Genome position (GRCh38, 1-based): chr7:5,973,515-5,973,519, TTGTG deleted on the plus strand (CACAA on the coding strand, the reverse complement: PMS2 is on the minus strand); deleting any 5 consecutive bases within chr7:5,973,515-5,973,521 gives the same sequence; the c. name uses the placement nearest the transcript's 3' end. VCF-style (leftmost placement, unchanged base first): chr7-5973514-CTTGTG-C. GRCh37 (hg19) VCF-style: chr7-6013145-CTTGTG-C.
Other names: c.2064_2068del, p.Asn688fs (NM_001322003.2, NM_001322004.2, NM_001322005.2); c.2313_2317del, p.Asn771fs (NM_001322006.2); c.2151_2155del, p.Asn717fs (NM_001322007.2, NM_001322008.2); c.2097_2101del, p.Asn699fs (NM_001322009.2); c.1908_1912del, p.Asn636fs (NM_001322010.2); c.1536_1540del, p.Asn512fs (NM_001322011.2, NM_001322012.2); c.1896_1900del, p.Asn632fs (NM_001322013.2); c.2502_2506del, p.Asn834fs (NM_001322014.2); and 1 more; short protein forms N632fs, N699fs, N720fs, N688fs, N823fs, N512fs, N636fs, N717fs.
Identifiers: ClinVar variation 1393658 (VCV001393658.9), dbSNP rs2128658792, ClinGen allele CA2573141928.